The following is an entry in ClinVar:

NM_022168.4(IFIH1):c.1769C>G (p.Ala590Gly)

Gene: IFIH1 (interferon induced with helicase C domain 1; minus strand). Cytogenetic location: 2q24.2.
Variant type: single nucleotide variant.
Coding change: c.1769C>G on transcript NM_022168.4 (MANE Select); coding-DNA position 1769, C replaced by G.
Protein change: p.Ala590Gly; replaces alanine 590 with glycine.
Molecular consequence: missense variant.
Genome position (GRCh38, 1-based): chr2:162,277,690, G>C on the plus strand (C>G on the coding strand, the complement: IFIH1 is on the minus strand). VCF-style: chr2-162277690-G-C. GRCh37 (hg19) VCF-style: chr2-163134200-G-C.
Other names: short protein forms A590G.
Identifiers: ClinVar variation 1471210 (VCV001471210.6), dbSNP rs768993250, ClinGen allele CA348999900.

ClinVar aggregate classification (germline): Uncertain significance (1 of 4 stars; one submission).

Conditions:
Singleton-Merten syndrome 1 (SGMRT1). Also called: Widened medullary cavities of bone, aortic calcification, abnormal dentition, and muscular weakness; Syndrome of widened medullary cavities of the metacarpals and phalanges, aortic calcification and abnormal dentition. Identifiers: Orphanet 85191, MedGen C4225427, MONDO:0024535, OMIM 182250.
Aicardi-Goutieres syndrome 7 (AGS7). Identifiers: Orphanet 51, MedGen C3888244, MONDO:0014367, OMIM 615846.

Submission:

Labcorp Genetics (formerly Invitae), Labcorp
Classification: Uncertain significance for Aicardi-Goutieres syndrome 7; Singleton-Merten syndrome 1. Last evaluated: 2022-09-07. Review status: criteria provided, single submitter. Criteria: Invitae Variant Classification Sherloc (09022015). Collection method: clinical testing. Allele origin: germline.
Comment: Algorithms developed to predict the effect of missense changes on protein structure and function are either unavailable or do not agree on the potential impact of this missense change (SIFT: "Tolerated"; PolyPhen-2: "Possibly Damaging"; Align-GVGD: "Class C0"). In summary, the available evidence is currently insufficient to determine the role of this variant in disease. Therefore, it has been classified as a Variant of Uncertain Significance. ClinVar contains an entry for this variant (Variation ID: 1471210). This missense change has been observed in at least one individual who was not affected with IFIH1-related conditions (Invitae). This variant has not been reported in the literature in individuals affected with IFIH1-related conditions. This variant is not present in population databases (gnomAD no frequency). This sequence change replaces alanine, which is neutral and non-polar, with glycine, which is neutral and non-polar, at codon 590 of the IFIH1 protein (p.Ala590Gly).